The following is an entry in ClinVar:

ClinVar aggregate classification (germline): Benign/Likely benign. Review status: criteria provided, multiple submitters, no conflicts (2 of 4 stars). 7 submissions from 7 submitters: Benign (1); Likely benign (3). 3 of the submissions do not count toward it. Last evaluated 2024-11-12.

Conditions:
COL11A2-related disorder. Also called: COL11A2-related disorders; COL11A2-related condition.

Allele frequency attached by ClinVar (database versions not stated): gnomAD 0.00010; ESP Exome Variant Server 0.00023; TOPMed 0.00036; gnomAD exomes 0.00049 and 0.00069; ExAC 0.00092; 1000 Genomes Project 30x 0.00094; 1000 Genomes Project 0.00100.
gnomAD v4.1: 779 of 1,614,138 alleles (0.048%); highest among the groups gnomAD compares: South Asian, 0.4%; 7 homozygotes.

Submissions (7):

Blueprint Genetics
Classification: Likely benign. Last evaluated: 2024-11-12. Review status: criteria provided, single submitter. Criteria: ACMG Guidelines, 2015. Collection method: clinical testing. Allele origin: germline.

CeGaT Center for Human Genetics Tuebingen
Classification: Likely benign. Last evaluated: 2024-11-01. Review status: criteria provided, single submitter. Criteria: CeGaT Center For Human Genetics Tuebingen Variant Classification Criteria Version 2. Collection method: clinical testing. Allele origin: germline. Affected: yes. Observed: 2 variant alleles.
Comment: COL11A2: BP4, BS2

GeneDx
Classification: Likely benign. Last evaluated: 2020-11-04. Review status: criteria provided, single submitter. Criteria: GeneDx Variant Classification Process June 2021. Collection method: clinical testing. Allele origin: germline. Affected: yes.

Laboratory for Molecular Medicine, Mass General Brigham Personalized Medicine
Classification: Benign. Last evaluated: 2015-11-24. Review status: criteria provided, single submitter. Criteria: LMM Criteria. Collection method: clinical testing. Allele origin: germline. Observed: 3 variant alleles.
Comment: p.Pro279His in exon 5 of COL11A2: This variant is not expected to have clinical significance because it has been identified in 0.47% (78/16506) of South Asian c hromosomes by the Exome Aggregation Consortium (ExAC .org; dbSNP rs20098046).

PreventionGenetics, part of Exact Sciences
Classification: Likely benign for COL11A2-related condition. Last evaluated: 2020-08-18. Review status: no assertion criteria provided. Collection method: clinical testing. Allele origin: germline. Not counted in ClinVar's aggregate classification.
Comment: This variant is classified as likely benign based on ACMG/AMP sequence variant interpretation guidelines (Richards et al. 2015 PMID: 25741868, with internal and published modifications).

Clinical Genetics DNA and cytogenetics Diagnostics Lab, Erasmus MC, Erasmus Medical Center
Classification: Likely benign. Review status: no assertion criteria provided. Collection method: clinical testing. Allele origin: germline. Affected: yes. Study: VKGL Data-share Consensus. Not counted in ClinVar's aggregate classification.

Laboratory of Diagnostic Genome Analysis, Leiden University Medical Center (LUMC)
Classification: Likely benign. Review status: no assertion criteria provided. Collection method: clinical testing. Allele origin: germline. Affected: yes. Study: VKGL Data-share Consensus. Not counted in ClinVar's aggregate classification.

NM_080680.3(COL11A2):c.798+38C>A

Gene: COL11A2 (collagen type XI alpha 2 chain; minus strand). Cytogenetic location: 6p21.32.
Variant type: single nucleotide variant.
Coding change: c.798+38C>A on transcript NM_080680.3 (MANE Select); 38 bases into the intron after coding-DNA position 798, C replaced by A.
Molecular consequence: intron variant. On other transcripts: missense variant (1).
Genome position (GRCh38, 1-based): chr6:33,186,589, G>T on the plus strand (C>A on the coding strand, the complement: COL11A2 is on the minus strand). VCF-style: chr6-33186589-G-T. GRCh37 (hg19) VCF-style: chr6-33154366-G-T.
Other names: c.836C>A, p.Pro279His (NM_001163771.2); c.798+38C>A (NM_080679.3, NM_080681.3); short protein forms P279H.
Identifiers: ClinVar variation 162995 (VCV000162995.35), dbSNP rs200989046, ClinGen allele CA175575.
Genomic context (GRCh38, chr6:33,186,589, plus strand): 5'-GGAGATGAGGGTGGGGAGGACAACTAAGGAGGAGAGATGCCTGGGTGTCTTCCCTCTCTG[G>T]GGTGTGCTGCACTTGGGGGTTCTCCCAGCTCCCTCACCTGGCTCTGGGGTTCCTGATTTT-3'